The following is an entry in ClinVar:

NM_000243.3(MEFV):c.-13C>G

Gene: MEFV (MEFV innate immunity regulator, pyrin; minus strand). Cytogenetic location: 16p13.3.
Variant type: single nucleotide variant.
Coding change: c.-13C>G on transcript NM_000243.3 (MANE Select); 13 bases upstream of the start codon, C replaced by G.
Molecular consequence: 5 prime UTR variant.
Genome position (GRCh38, 1-based): chr16:3,256,600, G>C on the plus strand (C>G on the coding strand, the complement: MEFV is on the minus strand). VCF-style: chr16-3256600-G-C. GRCh37 (hg19) VCF-style: chr16-3306600-G-C.
Other names: c.-13C>G (NM_001198536.2).
Identifiers: ClinVar variation 618711 (VCV000618711.9), dbSNP rs200991336, ClinGen allele CA7860556.
Genomic context (GRCh38, chr16:3,256,600, plus strand): 5'-CAGCTCCTCCAGGGTGGACAGCAGATGGTCACTAGGGGTCTTAGCCATGGTGCTGAGCAG[G>C]AGAGGCTCGAGCCAGCTGTCTGGCTTCTGGTAGGAAAAGAAGCCTCTGTCCTTGGTGAGC-3'

ClinVar aggregate classification (germline): Likely benign (1 of 4 stars; one submission).

Allele frequency attached by ClinVar (database versions not stated): ExAC 0.00002; gnomAD exomes 0.00004 and 0.00011; gnomAD 0.00005; TOPMed 0.00005.

Submission:

ARUP Laboratories, Molecular Genetics and Genomics, ARUP Laboratories
Classification: Likely benign. Last evaluated: 2018-06-26. Review status: criteria provided, single submitter. Criteria: ARUP Molecular Germline Variant Investigation Process. Collection method: clinical testing. Allele origin: germline.
Comment: The MEFV c.-13C>G variant (rs200991336), to our knowledge, is not reported in the medical literature or gene specific databases. This variant is found in the non-Finnish European population with an overall allele frequency of 0.01% (13/126512 alleles) in the Genome Aggregation Database. This variant occurs in the 5' untranslated region at a nucleotide that is weakly conserved, and computational analysis (NetStart 1.0) predicts that this variant does not alter translation initiation. Pathogenic MEFV variants can be gain-of-function (Sonmez 2016), so based on available information, this variant is considered to be likely benign. References: Sonmez HE et al. Familial Mediterranean fever: current perspectives. J Inflamm Res. 2016 Mar 17;9:13-20.